The following is an entry in ClinVar:

NM_001460.5(FMO2):c.135G>A (p.Glu45=)

Genes: FMO1-AS1 (FMO1 antisense RNA 1; minus strand), FMO2 (flavin containing dimethylaniline monoxygenase 2; plus strand). Cytogenetic location: 1q24.3.
Variant type: single nucleotide variant.
Coding change: c.135G>A on transcript NM_001460.5 (MANE Select); coding-DNA position 135, G replaced by A.
Protein change: p.Glu45=; no amino-acid change (glutamic acid 45 retained).
Molecular consequence: synonymous variant. On other transcripts: 5 prime UTR variant (1).
Genome position (GRCh38, 1-based): chr1:171,193,337, G>A. VCF-style: chr1-171193337-G-A. GRCh37 (hg19) VCF-style: chr1-171162476-G-A.
Other names: c.-383G>A (NM_001301347.2); c.-61G>A (NM_001365900.2).
Identifiers: ClinVar variation 2639550 (VCV002639550.23), dbSNP rs139018992, ClinGen allele CA1241081.

ClinVar aggregate classification (germline): Likely benign (1 of 4 stars; one submission).

Allele frequency attached by ClinVar (database versions not stated): ESP Exome Variant Server 0.00023; TOPMed 0.00023; gnomAD exomes 0.00015; gnomAD 0.00021; ExAC 0.00022.
gnomAD v4.1: 271 of 1,595,240 alleles (0.017%); highest among the groups gnomAD compares: Middle Eastern, 0.066%; no homozygotes.

Submission:

CeGaT Center for Human Genetics Tuebingen
Classification: Likely benign. Last evaluated: 2022-08-01. Review status: criteria provided, single submitter. Criteria: CeGaT Center For Human Genetics Tuebingen Variant Classification Criteria Version 2. Collection method: clinical testing. Allele origin: germline. Affected: yes. Observed: 1 variant allele.
Comment: FMO2: BP4, BP7